The following is an entry in ClinVar:

NM_003242.6(TGFBR2):c.*443A>G

Gene: TGFBR2 (transforming growth factor beta receptor 2; plus strand). Cytogenetic location: 3p24.1.
Variant type: single nucleotide variant.
Coding change: c.*443A>G on transcript NM_003242.6 (MANE Select); 443 bases downstream of the stop codon, A replaced by G.
Molecular consequence: 3 prime UTR variant.
Genome position (GRCh38, 1-based): chr3:30,692,042, A>G. VCF-style: chr3-30692042-A-G. GRCh37 (hg19) VCF-style: chr3-30733534-A-G.
Other names: c.*443A>G (NM_001024847.3, NM_001407126.1, NM_001407127.1 and 11 more transcripts).
Identifiers: ClinVar variation 344675 (VCV000344675.31), dbSNP rs188599299, ClinGen allele CA10618027.
Genomic context (GRCh38, chr3:30,692,042, plus strand): 5'-AAAAACATCAAATATTCCCAGGAAATTGGTTTTATTGGAGAACTCCAGAACCAAGCAGAG[A>G]AGGAAGGGACCCATGACAGCATTAGCATTTGACAATCACACATGCAGTGGTTCTCTGACT-3'

ClinVar aggregate classification (germline): Conflicting classifications of pathogenicity. Review status: criteria provided, conflicting classifications (1 of 4 stars). 2 submissions from 2 submitters: Uncertain significance (1); Benign (1). Last evaluated 2022-09-01.

Conditions:
Loeys-Dietz syndrome 2 (LDS2). Also called: AORTIC ANEURYSM, FAMILIAL THORACIC 3; MARFAN SYNDROME, TYPE II; Marfan syndrome, type 2 (formerly); Marfan Syndrome type 2; Marfan like connective tissue disorder; MFS 2. Identifiers: Orphanet 284973, Orphanet 558, MedGen C2674574, MONDO:0012427, OMIM 610168.

Allele frequency attached by ClinVar (database versions not stated): 1000 Genomes Project 30x 0.00016; gnomAD exomes 0.00017; 1000 Genomes Project 0.00020; gnomAD 0.00058 and 0.00065; TOPMed 0.00080.

Submissions (2):

CeGaT Center for Human Genetics Tuebingen
Classification: Benign. Last evaluated: 2022-09-01. Review status: criteria provided, single submitter. Criteria: CeGaT Center For Human Genetics Tuebingen Variant Classification Criteria Version 2. Collection method: clinical testing. Allele origin: germline. Affected: yes. Observed: 1 variant allele.
Comment: TGFBR2: BS1, BS2

Illumina Laboratory Services, Illumina
Classification: Uncertain significance for Loeys-Dietz syndrome 2. Last evaluated: 2018-01-13. Review status: criteria provided, single submitter. Criteria: ICSL Variant Classification Criteria 13 December 2019. Collection method: clinical testing. Allele origin: germline.